The following is an entry in ClinVar:

NM_018136.5(ASPM):c.4951A>G (p.Met1651Val)

Gene: ASPM (assembly factor for spindle microtubules; minus strand). Cytogenetic location: 1q31.3.
Variant type: single nucleotide variant.
Coding change: c.4951A>G on transcript NM_018136.5 (MANE Select); coding-DNA position 4951, A replaced by G.
Protein change: p.Met1651Val; replaces methionine 1651 with valine.
Molecular consequence: missense variant. On other transcripts: intron variant (1).
Genome position (GRCh38, 1-based): chr1:197,104,300, T>C on the plus strand (A>G on the coding strand, the complement: ASPM is on the minus strand). VCF-style: chr1-197104300-T-C. GRCh37 (hg19) VCF-style: chr1-197073430-T-C.
Other names: c.4066-8136A>G (NM_001206846.2); short protein forms M1651V.
Identifiers: ClinVar variation 434409 (VCV000434409.11), dbSNP rs772751994, ClinGen allele CA1309840.

ClinVar aggregate classification (germline): Conflicting classifications of pathogenicity. Review status: criteria provided, conflicting classifications (1 of 4 stars). 3 submissions from 3 submitters: Uncertain significance (2); Likely benign (1). Last evaluated 2024-11-11.

Conditions:
Inborn genetic diseases. Identifiers: MedGen C0950123, MeSH D030342.

Allele frequency attached by ClinVar (database versions not stated): gnomAD 0.00001; gnomAD exomes 0.00004 and 0.00006; TOPMed 0.00005; ExAC 0.00007.

Submissions (3):

Ambry Genetics
Classification: Uncertain significance for Inborn genetic diseases. Last evaluated: 2024-11-11. Review status: criteria provided, single submitter. Criteria: Ambry Variant Classification Scheme 2023. Collection method: clinical testing. Allele origin: germline.

Labcorp Genetics (formerly Invitae), Labcorp
Classification: Uncertain significance. Last evaluated: 2024-10-29. Review status: criteria provided, single submitter. Criteria: Invitae Variant Classification Sherloc (09022015). Collection method: clinical testing. Allele origin: germline.
Comment: This sequence change replaces methionine, which is neutral and non-polar, with valine, which is neutral and non-polar, at codon 1651 of the ASPM protein (p.Met1651Val). This variant is present in population databases (rs772751994, gnomAD 0.04%). This variant has not been reported in the literature in individuals affected with ASPM-related conditions. ClinVar contains an entry for this variant (Variation ID: 434409). Invitae Evidence Modeling of protein sequence and biophysical properties (such as structural, functional, and spatial information, amino acid conservation, physicochemical variation, residue mobility, and thermodynamic stability) indicates that this missense variant is not expected to disrupt ASPM protein function with a negative predictive value of 80%. In summary, the available evidence is currently insufficient to determine the role of this variant in disease. Therefore, it has been classified as a Variant of Uncertain Significance.

Genetic Services Laboratory, University of Chicago
Classification: Likely benign. Last evaluated: 2016-07-20. Review status: criteria provided, single submitter. Criteria: ACMG Guidelines, 2015. Collection method: clinical testing. Allele origin: germline. Affected: no.